The following is an entry in ClinVar:

NM_005055.5(RAPSN):c.1065C>A (p.Cys355Ter)

Gene: RAPSN (receptor associated protein of the synapse; minus strand). Cytogenetic location: 11p11.2.
Variant type: single nucleotide variant.
Coding change: c.1065C>A on transcript NM_005055.5 (MANE Select); coding-DNA position 1065, C replaced by A.
Protein change: p.Cys355Ter; replaces cysteine 355 with a stop codon.
Molecular consequence: nonsense.
Genome position (GRCh38, 1-based): chr11:47,438,833, G>T on the plus strand (C>A on the coding strand, the complement: RAPSN is on the minus strand). VCF-style: chr11-47438833-G-T. GRCh37 (hg19) VCF-style: chr11-47460384-G-T.
Other names: c.888C>A, p.Cys296Ter (NM_032645.5); short protein forms C296*, C355*.
Identifiers: ClinVar variation 947985 (VCV000947985.8), dbSNP rs763094966, ClinGen allele CA380327642.

ClinVar aggregate classification (germline): Pathogenic (1 of 4 stars; one submission).

Conditions:
Fetal akinesia deformation sequence 1 (FADS1). Also called: Fetal akinesia sequence; Pena-Shokeir syndrome type I. Identifiers: Orphanet 994, MedGen C1276035, MONDO:0100101, OMIM 208150, HP:0001989.
Congenital myasthenic syndrome 11. Also called: MYASTHENIC SYNDROME, CONGENITAL, Ie; Myasthenic syndrome, congenital, 11, associated with acetylcholine receptor deficiency. Identifiers: Orphanet 590, MedGen C4225367, MONDO:0014588, OMIM 616326.

Submission:

Labcorp Genetics (formerly Invitae), Labcorp
Classification: Pathogenic for Congenital myasthenic syndrome 11; Fetal akinesia deformation sequence 1. Last evaluated: 2021-12-21. Review status: criteria provided, single submitter. Criteria: Invitae Variant Classification Sherloc (09022015). Collection method: clinical testing. Allele origin: germline.
Comment: Algorithms developed to predict the effect of sequence changes on RNA splicing suggest that this variant may create or strengthen a splice site. ClinVar contains an entry for this variant (Variation ID: 947985). This variant has not been reported in the literature in individuals affected with RAPSN-related conditions. This variant is not present in population databases (gnomAD no frequency). This sequence change creates a premature translational stop signal (p.Cys355*) in the RAPSN gene. It is expected to result in an absent or disrupted protein product. Loss-of-function variants in RAPSN are known to be pathogenic (PMID: 17686188). For these reasons, this variant has been classified as Pathogenic.

Literature cited by the submitters: PubMed 17686188.